The following is an entry in ClinVar:

ClinVar aggregate classification (germline): Uncertain significance (1 of 4 stars; one submission).

Conditions:
Imerslund-Grasbeck syndrome. Also called: Imerslund-Gräsbeck syndrome; ENTEROCYTE COBALAMIN MALABSORPTION; ENTEROCYTE INTRINSIC FACTOR RECEPTOR, DEFECT OF; PERNICIOUS ANEMIA, JUVENILE, DUE TO SELECTIVE INTESTINAL MALABSORPTION OF VITAMIN B12, WITH PROTEINURIA; Megaloblastic anemia due to inborn errors of metabolism. Identifiers: Orphanet 35858, MedGen C4551825, MONDO:0009853.

gnomAD v4.1: 11 of 1,613,440 alleles (0.00068%); highest among the groups gnomAD compares: South Asian, 0.012%; no homozygotes.

Submission:

Labcorp Genetics (formerly Invitae), Labcorp
Classification: Uncertain significance for Imerslund-Grasbeck syndrome. Last evaluated: 2025-12-18. Review status: criteria provided, single submitter. Criteria: Invitae Variant Classification Sherloc (09022015). Collection method: clinical testing. Allele origin: germline.
Comment: This sequence change replaces phenylalanine, which is neutral and non-polar, with leucine, which is neutral and non-polar, at codon 3256 of the CUBN protein (p.Phe3256Leu). This variant is present in population databases (no rsID available, gnomAD 0.003%). This variant has not been reported in the literature in individuals affected with CUBN-related conditions. Invitae Evidence Modeling of protein sequence and biophysical properties (such as structural, functional, and spatial information, amino acid conservation, physicochemical variation, residue mobility, and thermodynamic stability) indicates that this missense variant is not expected to disrupt CUBN protein function with a negative predictive value of 80%. In summary, the available evidence is currently insufficient to determine the role of this variant in disease. Therefore, it has been classified as a Variant of Uncertain Significance.

NM_001081.4(CUBN):c.9768C>A (p.Phe3256Leu)

Gene: CUBN (cubilin; minus strand). Cytogenetic location: 10p13.
Variant type: single nucleotide variant.
Coding change: c.9768C>A on transcript NM_001081.4 (MANE Select); coding-DNA position 9768, C replaced by A.
Protein change: p.Phe3256Leu; replaces phenylalanine 3256 with leucine.
Molecular consequence: missense variant.
Genome position (GRCh38, 1-based): chr10:16,840,943, G>T on the plus strand (C>A on the coding strand, the complement: CUBN is on the minus strand). VCF-style: chr10-16840943-G-T. GRCh37 (hg19) VCF-style: chr10-16882942-G-T.
Other names: short protein forms F3256L.
Identifiers: ClinVar variation 4705486 (VCV004705486.1).
Genomic context (GRCh38, chr10:16,840,943, plus strand): 5'-ACTGTCCATGATGGTGTATGTAGCATTAAATCCTTCCCTCTCTAATGTTAAGTCACTGAT[G>T]AATTGAACCGTAAGGAAGTTACCAGAAGAGATAAAAGGAGCAGGTACTGTGGAACCACAA-3'
Protein context (NP_001072.2, residues 3246-3266): ISSGNFLTVQ[Phe3256Leu]ISDLTLEREG